The following is an entry in ClinVar:

ClinVar aggregate classification (germline): Uncertain significance. Review status: criteria provided, multiple submitters, no conflicts (2 of 4 stars). 2 submissions from 2 submitters: Uncertain significance (2). Last evaluated 2025-04-28.

Allele frequency attached by ClinVar (database versions not stated): gnomAD exomes below 0.00001.

Submissions (2):

Labcorp Genetics (formerly Invitae), Labcorp
Classification: Uncertain significance. Last evaluated: 2025-04-28. Review status: criteria provided, single submitter. Criteria: Invitae Variant Classification Sherloc (09022015). Collection method: clinical testing. Allele origin: germline.
Comment: This sequence change replaces leucine, which is neutral and non-polar, with phenylalanine, which is neutral and non-polar, at codon 92 of the GUCA1A protein (p.Leu92Phe). This variant is not present in population databases (gnomAD no frequency). This variant has not been reported in the literature in individuals affected with GUCA1A-related conditions. ClinVar contains an entry for this variant (Variation ID: 2984822). An algorithm developed to predict the effect of missense changes on protein structure and function (PolyPhen-2) suggests that this variant is likely to be disruptive. In summary, the available evidence is currently insufficient to determine the role of this variant in disease. Therefore, it has been classified as a Variant of Uncertain Significance.

Blueprint Genetics
Classification: Uncertain significance. Last evaluated: 2024-03-07. Review status: criteria provided, single submitter. Criteria: ACMG Guidelines, 2015. Collection method: clinical testing. Allele origin: germline.

NM_001384910.1(GUCA1A):c.274C>T (p.Leu92Phe)

Genes: GUCA1A (guanylate cyclase activator 1A; plus strand), GUCA1ANB-GUCA1A (GUCA1ANB-GUCA1A readthrough; plus strand). Cytogenetic location: 6p21.1.
Variant type: single nucleotide variant.
Coding change: c.274C>T on transcript NM_001384910.1 (MANE Select); coding-DNA position 274, C replaced by T.
Protein change: p.Leu92Phe; replaces leucine 92 with phenylalanine.
Molecular consequence: missense variant.
Genome position (GRCh38, 1-based): chr6:42,178,352, C>T. VCF-style: chr6-42178352-C-T. GRCh37 (hg19) VCF-style: chr6-42146090-C-T.
Other names: c.274C>T, p.Leu92Phe (NM_000409.5, NM_001319061.2, NM_001319062.2); short protein forms L92F.
Identifiers: ClinVar variation 2984822 (VCV002984822.4), dbSNP rs1768015497, ClinGen allele CA364109008.